The following is an entry in ClinVar:

ClinVar aggregate classification (germline): Uncertain significance. Review status: criteria provided, multiple submitters, no conflicts (2 of 4 stars). 2 submissions from 2 submitters: Uncertain significance (2). Last evaluated 2025-05-24.

Allele frequency attached by ClinVar (database versions not stated): gnomAD exomes below 0.00001 and 0.00001.
gnomAD v4.1: 1 of 1,613,812 alleles (0.000062%); highest among the groups gnomAD compares: Admixed American, 0.0017%; no homozygotes.

Submissions (2):

Labcorp Genetics (formerly Invitae), Labcorp
Classification: Uncertain significance. Last evaluated: 2025-05-24. Review status: criteria provided, single submitter. Criteria: Invitae Variant Classification Sherloc (09022015). Collection method: clinical testing. Allele origin: germline.
Comment: This sequence change replaces lysine, which is basic and polar, with glutamic acid, which is acidic and polar, at codon 1143 of the COL11A1 protein (p.Lys1143Glu). This variant is present in population databases (no rsID available, gnomAD 0.003%). This variant has not been reported in the literature in individuals affected with COL11A1-related conditions. ClinVar contains an entry for this variant (Variation ID: 1429137). Invitae Evidence Modeling of protein sequence and biophysical properties (such as structural, functional, and spatial information, amino acid conservation, physicochemical variation, residue mobility, and thermodynamic stability) has been performed for this missense variant. However, the output from this modeling did not meet the statistical confidence thresholds required to predict the impact of this variant on COL11A1 protein function. In summary, the available evidence is currently insufficient to determine the role of this variant in disease. Therefore, it has been classified as a Variant of Uncertain Significance.

Blueprint Genetics
Classification: Uncertain significance. Last evaluated: 2020-04-14. Review status: criteria provided, single submitter. Criteria: ACMG Guidelines, 2015. Collection method: clinical testing. Allele origin: germline.

NM_001854.4(COL11A1):c.3427A>G (p.Lys1143Glu)

Gene: COL11A1 (collagen type XI alpha 1 chain; minus strand). Cytogenetic location: 1p21.1.
Variant type: single nucleotide variant.
Coding change: c.3427A>G on transcript NM_001854.4 (MANE Select); coding-DNA position 3427, A replaced by G.
Protein change: p.Lys1143Glu; replaces lysine 1143 with glutamic acid.
Molecular consequence: missense variant. On other transcripts: non-coding transcript variant (1).
Genome position (GRCh38, 1-based): chr1:102,939,046, T>C on the plus strand (A>G on the coding strand, the complement: COL11A1 is on the minus strand). VCF-style: chr1-102939046-T-C. GRCh37 (hg19) VCF-style: chr1-103404602-T-C.
Other names: c.3310A>G, p.Lys1104Glu (NM_001190709.2); c.3463A>G, p.Lys1155Glu (NM_080629.3); c.3079A>G, p.Lys1027Glu (NM_080630.4); short protein forms K1027E, K1104E, K1143E, K1155E.
Identifiers: ClinVar variation 1429137 (VCV001429137.9), dbSNP rs1182148061, ClinGen allele CA341169129.